The following is an entry in ClinVar:

ClinVar aggregate classification (germline): Uncertain significance. Review status: criteria provided, multiple submitters, no conflicts (2 of 4 stars). 3 submissions from 3 submitters: Uncertain significance (3). Last evaluated 2023-05-05.

Conditions:
Hereditary cancer-predisposing syndrome. Also called: Tumor predisposition; Hereditary neoplastic syndrome; Neoplastic Syndromes, Hereditary; Hereditary Cancer Syndrome. Identifiers: Orphanet 140162, MedGen C0027672, MeSH D009386, MONDO:0015356.
BAP1-related tumor predisposition syndrome (TPDS1). Also called: TUMOR PREDISPOSITION SYNDROME 1; Tumor susceptibility linked to germline BAP1 mutations; BAP1 tumor predisposition syndrome; COMMON Syndrome. Identifiers: Orphanet 289539, MedGen C3280492, MONDO:0013692, OMIM 614327.

Submissions (3):

Baylor Genetics
Classification: Uncertain significance for BAP1-related tumor predisposition syndrome. Last evaluated: 2023-05-05. Review status: criteria provided, single submitter. Criteria: ACMG Guidelines, 2015. Collection method: clinical testing. Allele origin: unknown.

Ambry Genetics
Classification: Uncertain significance for Hereditary cancer-predisposing syndrome. Last evaluated: 2022-08-13. Review status: criteria provided, single submitter. Criteria: Ambry Variant Classification Scheme 2023. Collection method: clinical testing. Allele origin: germline.
Comment: The p.Y129H variant (also known as c.385T>C), located in coding exon 6 of the BAP1 gene, results from a T to C substitution at nucleotide position 385. The tyrosine at codon 129 is replaced by histidine, an amino acid with similar properties. This amino acid position is conserved. In addition, the in silico prediction for this alteration is inconclusive. Since supporting evidence is limited at this time, the clinical significance of this alteration remains unclear.

Labcorp Genetics (formerly Invitae), Labcorp
Classification: Uncertain significance for BAP1-related tumor predisposition syndrome. Last evaluated: 2021-10-09. Review status: criteria provided, single submitter. Criteria: Invitae Variant Classification Sherloc (09022015). Collection method: clinical testing. Allele origin: germline.
Comment: Algorithms developed to predict the effect of missense changes on protein structure and function (SIFT, PolyPhen-2, Align-GVGD) all suggest that this variant is likely to be tolerated. This variant has not been reported in the literature in individuals affected with BAP1-related conditions. This variant is not present in population databases (ExAC no frequency). This sequence change replaces tyrosine with histidine at codon 129 of the BAP1 protein (p.Tyr129His). The tyrosine residue is highly conserved and there is a moderate physicochemical difference between tyrosine and histidine. In summary, the available evidence is currently insufficient to determine the role of this variant in disease. Therefore, it has been classified as a Variant of Uncertain Significance.

NM_004656.4(BAP1):c.385T>C (p.Tyr129His)

Gene: BAP1 (BRCA1 associated deubiquitinase 1; minus strand). Cytogenetic location: 3p21.1.
Variant type: single nucleotide variant.
Coding change: c.385T>C on transcript NM_004656.4 (MANE Select); coding-DNA position 385, T replaced by C.
Protein change: p.Tyr129His; replaces tyrosine 129 with histidine.
Molecular consequence: missense variant.
Genome position (GRCh38, 1-based): chr3:52,407,451, A>G on the plus strand (T>C on the coding strand, the complement: BAP1 is on the minus strand). VCF-style: chr3-52407451-A-G. GRCh37 (hg19) VCF-style: chr3-52441467-A-G.
Other names: short protein forms Y129H.
Identifiers: ClinVar variation 960069 (VCV000960069.10), dbSNP rs1705203099, ClinGen allele CA353111262.